The following is an entry in ClinVar:

ClinVar aggregate classification (germline): Conflicting classifications of pathogenicity. Review status: criteria provided, conflicting classifications (1 of 4 stars). 2 submissions from 2 submitters: Uncertain significance (1); Likely benign (1). Last evaluated 2026-03-24.

Conditions:
Inborn genetic diseases. Identifiers: MedGen C0950123, MeSH D030342.

Allele frequency attached by ClinVar (database versions not stated): gnomAD exomes below 0.00001.
gnomAD v4.1: 1 of 1,613,580 alleles (0.000062%); highest among the groups gnomAD compares: Non-Finnish European, 0.000085%; no homozygotes.

Submissions (2):

Ambry Genetics
Classification: Likely benign for Inborn genetic diseases. Last evaluated: 2026-03-24. Review status: criteria provided, single submitter. Criteria: Ambry Variant Classification Scheme 2023. Collection method: clinical testing. Allele origin: germline.

Labcorp Genetics (formerly Invitae), Labcorp
Classification: Uncertain significance. Last evaluated: 2022-09-12. Review status: criteria provided, single submitter. Criteria: Invitae Variant Classification Sherloc (09022015). Collection method: clinical testing. Allele origin: germline.
Comment: This sequence change replaces threonine with alanine at codon 596 of the SAMD9L protein (p.Thr596Ala). The threonine residue is weakly conserved and there is a small physicochemical difference between threonine and alanine. This variant is not present in population databases (gnomAD no frequency). This variant has not been reported in the literature in individuals affected with SAMD9L-related conditions. ClinVar contains an entry for this variant (Variation ID: 1478820). Algorithms developed to predict the effect of missense changes on protein structure and function output the following: SIFT: "Not Available"; PolyPhen-2: "Benign"; Align-GVGD: "Not Available". The alanine amino acid residue is found in multiple mammalian species, which suggests that this missense change does not adversely affect protein function. In summary, the available evidence is currently insufficient to determine the role of this variant in disease. Therefore, it has been classified as a Variant of Uncertain Significance.

NM_152703.5(SAMD9L):c.1786A>G (p.Thr596Ala)

Gene: SAMD9L (sterile alpha motif domain containing 9 like; minus strand). Cytogenetic location: 7q21.2.
Variant type: single nucleotide variant.
Coding change: c.1786A>G on transcript NM_152703.5 (MANE Select); coding-DNA position 1786, A replaced by G.
Protein change: p.Thr596Ala; replaces threonine 596 with alanine.
Molecular consequence: missense variant.
Genome position (GRCh38, 1-based): chr7:93,134,186, T>C on the plus strand (A>G on the coding strand, the complement: SAMD9L is on the minus strand). VCF-style: chr7-93134186-T-C. GRCh37 (hg19) VCF-style: chr7-92763499-T-C.
Other names: c.1786A>G, p.Thr596Ala (NM_001303496.3, NM_001303497.3, NM_001303498.3 and 5 more transcripts); c.1786A>G (NM_152703.2); short protein forms T596A.
Identifiers: ClinVar variation 1478820 (VCV001478820.9), dbSNP rs2116493545, ClinGen allele CA368194624.